The following is an entry in ClinVar:

ClinVar aggregate classification (germline): Uncertain significance. Review status: criteria provided, multiple submitters, no conflicts (2 of 4 stars). 3 submissions from 3 submitters: Uncertain significance (3). Last evaluated 2024-08-09.

Conditions:
Hereditary cancer-predisposing syndrome. Also called: Tumor predisposition; Neoplastic Syndromes, Hereditary; Hereditary Cancer Syndrome; Hereditary neoplastic syndrome. Identifiers: Orphanet 140162, MedGen C0027672, MeSH D009386, MONDO:0015356.

Submissions (3):

Ambry Genetics
Classification: Uncertain significance for Hereditary cancer-predisposing syndrome. Last evaluated: 2024-08-09. Review status: criteria provided, single submitter. Criteria: Ambry Variant Classification Scheme 2023. Collection method: clinical testing. Allele origin: germline.
Comment: The p.Y2398H variant (also known as c.7192T>C), located in coding exon 48 of the ATM gene, results from a T to C substitution at nucleotide position 7192. The tyrosine at codon 2398 is replaced by histidine, an amino acid with similar properties. This amino acid position is highly conserved in available vertebrate species. In addition, the in silico prediction for this alteration is inconclusive. Based on the available evidence, the clinical significance of this variant remains unclear.

Color Diagnostics, LLC DBA Color Health
Classification: Uncertain significance for Hereditary cancer-predisposing syndrome. Last evaluated: 2024-03-16. Review status: criteria provided, single submitter. Criteria: ACMG Guidelines, 2015. Collection method: clinical testing. Allele origin: germline.
Comment: This missense variant replaces tyrosine with histidine at codon 2398 of the ATM protein. Computational prediction is inconclusive regarding the impact of this variant on protein structure and function (internally defined REVEL score threshold 0.5 < inconclusive < 0.7, PMID: 27666373). To our knowledge, functional studies have not been reported for this variant. This variant has not been reported in individuals affected with ATM-related disorders in the literature. This variant has not been identified in the general population by the Genome Aggregation Database (gnomAD). The available evidence is insufficient to determine the role of this variant in disease conclusively. Therefore, this variant is classified as a Variant of Uncertain Significance.

GeneDx
Classification: Uncertain significance. Last evaluated: 2019-11-05. Review status: criteria provided, single submitter. Criteria: GeneDx Variant Classification Process June 2021. Collection method: clinical testing. Allele origin: germline. Affected: yes.
Comment: Not observed in large population cohorts (Lek 2016); In silico analysis, which includes protein predictors and evolutionary conservation, supports a deleterious effect; Has not been previously published as pathogenic or benign to our knowledge

NM_000051.4(ATM):c.7192T>C (p.Tyr2398His)

Genes: ATM (ATM serine/threonine kinase; plus strand), C11orf65 (chromosome 11 open reading frame 65; minus strand). Cytogenetic location: 11q22.3.
Variant type: single nucleotide variant.
Coding change: c.7192T>C on transcript NM_000051.4 (MANE Select); coding-DNA position 7192, T replaced by C.
Protein change: p.Tyr2398His; replaces tyrosine 2398 with histidine.
Molecular consequence: missense variant. On other transcripts: intron variant (2).
Genome position (GRCh38, 1-based): chr11:108,329,123, T>C. VCF-style: chr11-108329123-T-C. GRCh37 (hg19) VCF-style: chr11-108199850-T-C.
Other names: c.*38+6097A>G (NM_001351110.2); c.7192T>C, p.Tyr2398His (NM_001351834.2); c.641-20052A>G (NM_001330368.2); short protein forms Y2398H.
Identifiers: ClinVar variation 1309869 (VCV001309869.5), dbSNP rs2136416925, ClinGen allele CA382559594.